The following is an entry in ClinVar:

NM_001287.6(CLCN7):c.2061_2063del (p.Leu688del)

Gene: CLCN7 (chloride voltage-gated channel 7; minus strand). Cytogenetic location: 16p13.3.
Variant type: Deletion.
Coding change: c.2061_2063del on transcript NM_001287.6 (MANE Select); coding-DNA positions 2061 to 2063, 3 bases deleted (CCT; older notation c.2061_2063delCCT).
Protein change: p.Leu688del; deletes leucine 688.
Molecular consequence: inframe deletion.
Genome position (GRCh38, 1-based): chr16:1,447,665-1,447,667, AGG deleted on the plus strand (CCT on the coding strand, the reverse complement: CLCN7 is on the minus strand); deleting any 3 consecutive bases within chr16:1,447,665-1,447,669 gives the same sequence; the c. name uses the placement nearest the transcript's 3' end. VCF-style (leftmost placement, unchanged base first): chr16-1447664-TAGG-T. GRCh37 (hg19) VCF-style: chr16-1497665-TAGG-T.
Other names: c.1989_1991del, p.Leu664del (NM_001114331.3); short protein forms L688del, L664del.
Identifiers: ClinVar variation 2876520 (VCV002876520.3), dbSNP rs2505813064, ClinGen allele CA2739269853.

ClinVar aggregate classification (germline): Uncertain significance (1 of 4 stars; one submission).

Submission:

Labcorp Genetics (formerly Invitae), Labcorp
Classification: Uncertain significance. Last evaluated: 2024-09-11. Review status: criteria provided, single submitter. Criteria: Invitae Variant Classification Sherloc (09022015). Collection method: clinical testing. Allele origin: germline.
Comment: This variant, c.2061_2063del, results in the deletion of 1 amino acid(s) of the CLCN7 protein (p.Leu688del), but otherwise preserves the integrity of the reading frame. This variant is not present in population databases (gnomAD no frequency). This variant has been observed in individuals with autosomal dominant osteopetrosis (PMID: 11741829; internal data). This variant is also known as ΔL688. Experimental studies and prediction algorithms are not available or were not evaluated, and the functional significance of this variant is currently unknown. In summary, the available evidence is currently insufficient to determine the role of this variant in disease. Therefore, it has been classified as a Variant of Uncertain Significance.

Literature cited by the submitters: PubMed 11741829.